The following is an entry in ClinVar:

ClinVar aggregate classification (germline): Conflicting classifications of pathogenicity. Review status: criteria provided, conflicting classifications (1 of 4 stars). 3 submissions from 3 submitters: Uncertain significance (2); Likely benign (1). Last evaluated 2026-05-04.

Conditions:
Neurofibromatosis, type 1 (NF1). Also called: VON RECKLINGHAUSEN DISEASE; Neurofibromatosis, type I; NEUROFIBROMATOSIS, TYPE I, SOMATIC; Peripheral type neurofibromatosis. Identifiers: Orphanet 636, MedGen C0027831, MONDO:0018975, OMIM 162200. Disease mechanism: loss of function.
Cardiovascular phenotype. Identifiers: MedGen CN230736.
Hereditary cancer-predisposing syndrome. Also called: Tumor predisposition; Hereditary Cancer Syndrome; Neoplastic Syndromes, Hereditary; Hereditary neoplastic syndrome. Identifiers: Orphanet 140162, MedGen C0027672, MeSH D009386, MONDO:0015356.

Submissions (3):

Ambry Genetics
Classification: Likely benign for Cardiovascular phenotype; Hereditary cancer-predisposing syndrome. Last evaluated: 2026-05-04. Review status: criteria provided, single submitter. Criteria: Ambry Variant Classification Scheme 2023. Collection method: clinical testing. Allele origin: germline.

Labcorp Genetics (formerly Invitae), Labcorp
Classification: Uncertain significance for Neurofibromatosis, type 1. Last evaluated: 2022-12-10. Review status: criteria provided, single submitter. Criteria: Invitae Variant Classification Sherloc (09022015). Collection method: clinical testing. Allele origin: germline.
Comment: In summary, the available evidence is currently insufficient to determine the role of this variant in disease. Therefore, it has been classified as a Variant of Uncertain Significance. Advanced modeling of protein sequence and biophysical properties (such as structural, functional, and spatial information, amino acid conservation, physicochemical variation, residue mobility, and thermodynamic stability) performed at Invitae indicates that this missense variant is not expected to disrupt NF1 protein function. ClinVar contains an entry for this variant (Variation ID: 642693). This variant has not been reported in the literature in individuals affected with NF1-related conditions. This variant is not present in population databases (gnomAD no frequency). This sequence change replaces aspartic acid, which is acidic and polar, with asparagine, which is neutral and polar, at codon 827 of the NF1 protein (p.Asp827Asn).

Genome-Nilou Lab
Classification: Uncertain significance for Neurofibromatosis, type 1. Last evaluated: 2022-03-15. Review status: criteria provided, single submitter. Criteria: ACMG Guidelines, 2015. Collection method: clinical testing. Allele origin: germline. Affected: no.

NM_001042492.3(NF1):c.2479G>A (p.Asp827Asn)

Gene: NF1 (neurofibromin 1; plus strand). Cytogenetic location: 17q11.2.
Variant type: single nucleotide variant.
Coding change: c.2479G>A on transcript NM_001042492.3 (MANE Select); coding-DNA position 2479, G replaced by A.
Protein change: p.Asp827Asn; replaces aspartic acid 827 with asparagine.
Molecular consequence: missense variant.
Genome position (GRCh38, 1-based): chr17:31,229,094, G>A. VCF-style: chr17-31229094-G-A. GRCh37 (hg19) VCF-style: chr17-29556112-G-A.
Other names: c.2479G>A, p.Asp827Asn (NM_000267.4); short protein forms D827N.
Identifiers: ClinVar variation 642693 (VCV000642693.12), dbSNP rs1597715215, ClinGen allele CA398984015.